The following is an entry in ClinVar:

ClinVar aggregate classification (germline): Likely benign. Review status: criteria provided, multiple submitters, no conflicts (2 of 4 stars). 2 submissions from 2 submitters: Likely benign (2). Last evaluated 2026-02-16.

Conditions:
CSRP3-related disorder. Also called: CSRP3-related condition; CSRP3-related disorders.

gnomAD v4.1: 72 of 1,613,246 alleles (0.0045%); highest among the groups gnomAD compares: Non-Finnish European, 0.0056%; no homozygotes.

Submissions (2):

PreventionGenetics, part of Exact Sciences
Classification: Likely benign for CSRP3-related condition. Last evaluated: 2026-02-16. Review status: criteria provided, single submitter. Criteria: ACMG Guidelines, 2015. Collection method: clinical testing. Allele origin: germline.
Comment: This variant is classified as likely benign based on ACMG/AMP sequence variant interpretation guidelines (Richards et al. 2015 PMID: 25741868, with internal and published modifications).

Blueprint Genetics
Classification: Likely benign. Last evaluated: 2023-05-25. Review status: criteria provided, single submitter. Criteria: ACMG Guidelines, 2015. Collection method: clinical testing. Allele origin: germline.

NM_003476.5(CSRP3):c.*9G>A

Gene: CSRP3 (cysteine and glycine rich protein 3; minus strand). Cytogenetic location: 11p15.1.
Variant type: single nucleotide variant.
Coding change: c.*9G>A on transcript NM_003476.5 (MANE Select); 9 bases downstream of the stop codon, G replaced by A.
Molecular consequence: 3 prime UTR variant. On other transcripts: missense variant (1).
Genome position (GRCh38, 1-based): chr11:19,182,661, C>T on the plus strand (G>A on the coding strand, the complement: CSRP3 is on the minus strand). VCF-style: chr11-19182661-C-T. GRCh37 (hg19) VCF-style: chr11-19204208-C-T.
Other names: c.425G>A, p.Arg142His (NM_001369404.1); c.*9G>A (NM_003476.4); short protein forms R142H.
Identifiers: ClinVar variation 4911007 (VCV004911007.2).